The following is an entry in ClinVar:

NM_001761.3(CCNF):c.1423T>C (p.Trp475Arg)

Gene: CCNF (cyclin F; plus strand). Cytogenetic location: 16p13.3.
Variant type: single nucleotide variant.
Coding change: c.1423T>C on transcript NM_001761.3 (MANE Select); coding-DNA position 1423, T replaced by C.
Protein change: p.Trp475Arg; replaces tryptophan 475 with arginine.
Molecular consequence: missense variant.
Genome position (GRCh38, 1-based): chr16:2,449,851, T>C. VCF-style: chr16-2449851-T-C. GRCh37 (hg19) VCF-style: chr16-2499852-T-C.
Other names: c.499T>C, p.Trp167Arg (NM_001323538.2); short protein forms W167R, W475R.
Identifiers: ClinVar variation 4278657 (VCV004278657.1).

ClinVar aggregate classification (germline): Uncertain significance (1 of 4 stars; one submission).

Submission:

GeneDx
Classification: Uncertain significance. Last evaluated: 2025-03-26. Review status: criteria provided, single submitter. Criteria: GeneDx Variant Classification Process June 2021. Collection method: clinical testing. Allele origin: germline. Affected: yes.
Comment: Not observed at significant frequency in large population cohorts (gnomAD); In silico analysis indicates that this missense variant does not alter protein structure/function; Has not been previously published as pathogenic or benign to our knowledge